The following is an entry in ClinVar:

NM_004793.4(LONP1):c.2378A>G (p.Lys793Arg)

Gene: LONP1 (lon peptidase 1, mitochondrial; minus strand). Cytogenetic location: 19p13.3.
Variant type: single nucleotide variant.
Coding change: c.2378A>G on transcript NM_004793.4 (MANE Select); coding-DNA position 2378, A replaced by G.
Protein change: p.Lys793Arg; replaces lysine 793 with arginine.
Molecular consequence: missense variant. On other transcripts: non-coding transcript variant (1).
Genome position (GRCh38, 1-based): chr19:5,693,712, T>C on the plus strand (A>G on the coding strand, the complement: LONP1 is on the minus strand). VCF-style: chr19-5693712-T-C. GRCh37 (hg19) VCF-style: chr19-5693723-T-C.
Other names: c.2186A>G, p.Lys729Arg (NM_001276479.2); c.1790A>G, p.Lys597Arg (NM_001276480.1); short protein forms K597R, K729R, K793R.
Identifiers: ClinVar variation 1495995 (VCV001495995.8), dbSNP rs762154436, ClinGen allele CA9114125.

ClinVar aggregate classification (germline): Uncertain significance (1 of 4 stars; one submission).

Submission:

Labcorp Genetics (formerly Invitae), Labcorp
Classification: Uncertain significance. Last evaluated: 2023-07-18. Review status: criteria provided, single submitter. Criteria: Invitae Variant Classification Sherloc (09022015). Collection method: clinical testing. Allele origin: germline.
Comment: This sequence change replaces lysine, which is basic and polar, with arginine, which is basic and polar, at codon 793 of the LONP1 protein (p.Lys793Arg). This variant is present in population databases (rs762154436, gnomAD 0.009%). This variant has not been reported in the literature in individuals affected with LONP1-related conditions. ClinVar contains an entry for this variant (Variation ID: 1495995). Algorithms developed to predict the effect of missense changes on protein structure and function output the following: SIFT: "Not Available"; PolyPhen-2: "Benign"; Align-GVGD: "Not Available". The arginine amino acid residue is found in multiple mammalian species, which suggests that this missense change does not adversely affect protein function. In summary, the available evidence is currently insufficient to determine the role of this variant in disease. Therefore, it has been classified as a Variant of Uncertain Significance.